The following is an entry in ClinVar:

NM_000400.4(ERCC2):c.2263C>G (p.Gln755Glu)

Gene: ERCC2 (ERCC excision repair 2, TFIIH core complex helicase subunit; minus strand). Cytogenetic location: 19q13.32.
Variant type: single nucleotide variant.
Coding change: c.2263C>G on transcript NM_000400.4 (MANE Select); coding-DNA position 2263, C replaced by G.
Protein change: p.Gln755Glu; replaces glutamine 755 with glutamic acid.
Molecular consequence: missense variant.
Genome position (GRCh38, 1-based): chr19:45,351,649, G>C on the plus strand (C>G on the coding strand, the complement: ERCC2 is on the minus strand). VCF-style: chr19-45351649-G-C. GRCh37 (hg19) VCF-style: chr19-45854907-G-C.
Other names: short protein forms Q755E.
Identifiers: ClinVar variation 3276239 (VCV003276239.1).

ClinVar aggregate classification (germline): Uncertain significance (1 of 4 stars; one submission).

Conditions:
Inborn genetic diseases. Identifiers: MedGen C0950123, MeSH D030342.

Submission:

Ambry Genetics
Classification: Uncertain significance for Inborn genetic diseases. Last evaluated: 2024-06-14. Review status: criteria provided, single submitter. Criteria: Ambry Variant Classification Scheme 2023. Collection method: clinical testing. Allele origin: germline.
Comment: The p.Q755E variant (also known as c.2263C>G), located in coding exon 23 of the ERCC2 gene, results from a C to G substitution at nucleotide position 2263. The glutamine at codon 755 is replaced by glutamic acid, an amino acid with highly similar properties. This amino acid position is conserved. In addition, this alteration is predicted to be tolerated by in silico analysis. Based on the available evidence, the clinical significance of this variant remains unclear.